The following is an entry in ClinVar:

ClinVar aggregate classification (germline): Likely pathogenic (1 of 4 stars; one submission).

Conditions:
Holocarboxylase synthetase deficiency. Also called: MULTIPLE CARBOXYLASE DEFICIENCY, EARLY ONSET. Identifiers: Orphanet 79242, MedGen C0268581, MONDO:0009666, OMIM 253270.

Submission:

Labcorp Genetics (formerly Invitae), Labcorp
Classification: Likely pathogenic for Holocarboxylase synthetase deficiency. Last evaluated: 2020-12-19. Review status: criteria provided, single submitter. Criteria: Invitae Variant Classification Sherloc (09022015). Collection method: clinical testing. Allele origin: germline.
Comment: This sequence change affects an acceptor splice site in intron 6 of the HLCS gene. It is expected to disrupt RNA splicing. Variants that disrupt the donor or acceptor splice site typically lead to a loss of protein function (PMID: 16199547), and loss-of-function variants in HLCS are known to be pathogenic (PMID: 16134170). This variant is not present in population databases (ExAC no frequency). This variant has not been reported in the literature in individuals with HLCS-related conditions. Algorithms developed to predict the effect of sequence changes on RNA splicing suggest that this variant may disrupt the consensus splice site, but this prediction has not been confirmed by published transcriptional studies. In summary, the currently available evidence indicates that the variant is pathogenic, but additional data are needed to prove that conclusively. Therefore, this variant has been classified as Likely Pathogenic.

Literature cited by the submitters: PubMed 16199547; PubMed 16134170.

NM_001352514.2(HLCS):c.1621-1G>C

Gene: HLCS (holocarboxylase synthetase; minus strand). Cytogenetic location: 21q22.13.
Variant type: single nucleotide variant.
Coding change: c.1621-1G>C on transcript NM_001352514.2 (MANE Select); the canonical splice acceptor site of the intron before coding-DNA position 1621, G replaced by C.
Molecular consequence: splice acceptor variant.
Genome position (GRCh38, 1-based): chr21:36,897,132, C>G on the plus strand (G>C on the coding strand, the complement: HLCS is on the minus strand). VCF-style: chr21-36897132-C-G. GRCh37 (hg19) VCF-style: chr21-38269432-C-G.
Other names: c.1180-1G>C (NM_001352517.1, NM_001242785.2, NM_001352515.2 and 4 more transcripts).
Identifiers: ClinVar variation 1525644 (VCV001525644.8), dbSNP rs1164174059, ClinGen allele CA409966837.